The following is an entry in ClinVar:

NM_000090.4(COL3A1):c.4086C>T (p.Ser1362=)

Gene: COL3A1 (collagen type III alpha 1 chain; plus strand). Cytogenetic location: 2q32.2.
Variant type: single nucleotide variant.
Coding change: c.4086C>T on transcript NM_000090.4 (MANE Select); coding-DNA position 4086, C replaced by T.
Protein change: p.Ser1362=; no amino-acid change (serine 1362 retained).
Molecular consequence: synonymous variant.
Genome position (GRCh38, 1-based): chr2:189,010,722, C>T. VCF-style: chr2-189010722-C-T. GRCh37 (hg19) VCF-style: chr2-189875448-C-T.
Identifiers: ClinVar variation 197910 (VCV000197910.24), dbSNP rs779774302, ClinGen allele CA006815.

ClinVar aggregate classification (germline): Conflicting classifications of pathogenicity. Review status: criteria provided, conflicting classifications (1 of 4 stars). 7 submissions from 7 submitters: Uncertain significance (1); Likely benign (6). Last evaluated 2025-12-16.

Conditions:
Familial thoracic aortic aneurysm and aortic dissection (TAAD). Also called: Thoracic aortic aneurysms and dissections. Identifiers: Orphanet 91387, MedGen C4707243, MONDO:0019625.
Ehlers-Danlos syndrome, type 4 (EDSVASC). Also called: Ehlers-Danlos syndrome vascular type; Ehlers Danlos syndrome, ecchymotic type; Ehlers Danlos syndrome, arterial type; Ehlers Danlos syndrome, Sack-Barabas type; Ehlers-Danlos Syndrome Type IV. Identifiers: Orphanet 286, MedGen C0268338, MONDO:0017314, OMIM 130050.

Allele frequency attached by ClinVar (database versions not stated): gnomAD exomes 0.00002 and 0.00003; ExAC 0.00004; gnomAD 0.00015 and 0.00017; TOPMed 0.00025.
gnomAD v4.1: 51 of 1,614,002 alleles (0.0032%); highest among the groups gnomAD compares: African/African-American, 0.048%; no homozygotes.

Submissions (7):

Labcorp Genetics (formerly Invitae), Labcorp
Classification: Likely benign for Ehlers-Danlos syndrome, type 4. Last evaluated: 2025-12-16. Review status: criteria provided, single submitter. Criteria: Invitae Variant Classification Sherloc (09022015). Collection method: clinical testing. Allele origin: germline.

All of Us Research Program, National Institutes of Health
Classification: Likely benign for Ehlers-Danlos syndrome, type 4. Last evaluated: 2024-02-05. Review status: criteria provided, single submitter. Criteria: ACMG Guidelines, 2015. Collection method: clinical testing. Allele origin: germline. Inheritance: Autosomal dominant inheritance. Observed: 10 variant alleles, 10 heterozygotes.
Comment: This study involves interpretation of variants in research participants for the purpose of population health screening. Participant phenotype was not available at the time of variant classification. Additional details can be found in publication PMID: 35346344, PMCID: PMC8962531

Women's Health and Genetics/Laboratory Corporation of America, LabCorp
Classification: Likely benign. Last evaluated: 2019-08-28. Review status: criteria provided, single submitter. Criteria: LabCorp Variant Classification Summary - May 2015. Collection method: clinical testing. Allele origin: germline.

Color Diagnostics, LLC DBA Color Health
Classification: Likely benign for Familial thoracic aortic aneurysm and aortic dissection. Last evaluated: 2018-12-16. Review status: criteria provided, single submitter. Criteria: ACMG Guidelines, 2015. Collection method: clinical testing. Allele origin: germline.

GeneDx
Classification: Likely benign. Last evaluated: 2018-02-26. Review status: criteria provided, single submitter. Criteria: GeneDx Variant Classification (06012015). Collection method: clinical testing. Allele origin: germline. Affected: yes.
Comment: This variant is considered likely benign or benign based on one or more of the following criteria: it is a conservative change, it occurs at a poorly conserved position in the protein, it is predicted to be benign by multiple in silico algorithms, and/or has population frequency not consistent with disease.

Eurofins Ntd Llc (ga)
Classification: Uncertain significance. Last evaluated: 2017-04-24. Review status: criteria provided, single submitter. Criteria: EGL Classification Definitions 2015. Collection method: clinical testing. Allele origin: germline. Observed: 2 variant alleles, 2 heterozygotes.

Ambry Genetics
Classification: Likely benign for Familial thoracic aortic aneurysm and aortic dissection. Last evaluated: 2015-09-06. Review status: criteria provided, single submitter. Criteria: Ambry Variant Classification Scheme 2023. Collection method: clinical testing. Allele origin: germline.